The following is an entry in ClinVar:

NC_000007.13:g.(?_150653066)_(150655041_?)del

Gene: KCNH2 (potassium voltage-gated channel subfamily H member 2; minus strand). Cytogenetic location: 7q36.1.
Variant type: Deletion.
Identifiers: ClinVar variation 1456356 (VCV001456356.5).

ClinVar aggregate classification (germline): Pathogenic (1 of 4 stars; one submission).

Conditions:
Long QT syndrome (LQTS). Identifiers: MedGen C0023976, MeSH D008133, MONDO:0002442. Disease mechanism: loss of function. Inheritance: Various modes of inheritance.

Submission:

Labcorp Genetics (formerly Invitae), Labcorp
Classification: Pathogenic for Long QT syndrome. Last evaluated: 2022-03-18. Review status: criteria provided, single submitter. Criteria: Invitae Variant Classification Sherloc (09022015). Collection method: clinical testing. Allele origin: germline.
Comment: For these reasons, this variant has been classified as Pathogenic. This variant has not been reported in the literature in individuals affected with KCNH2-related conditions. This variant is a gross deletion of the genomic region encompassing exon(s) 5 of the KCNH2 gene. This deletion is out-of-frame, and is expected to create a premature termination codon and result in an absent or disrupted protein product. Loss-of-function variants in KCNH2 are known to be pathogenic (PMID: 10973849, 19862833).

Literature cited by the submitters: PubMed 10973849; PubMed 19862833.